The following is an entry in ClinVar:

NM_198576.4(AGRN):c.1411G>A (p.Val471Met)

Gene: AGRN (agrin; plus strand). Cytogenetic location: 1p36.33.
Variant type: single nucleotide variant.
Coding change: c.1411G>A on transcript NM_198576.4 (MANE Select); coding-DNA position 1411, G replaced by A.
Protein change: p.Val471Met; replaces valine 471 with methionine.
Molecular consequence: missense variant.
Genome position (GRCh38, 1-based): chr1:1,043,265, G>A. VCF-style: chr1-1043265-G-A. GRCh37 (hg19) VCF-style: chr1-978645-G-A.
Other names: c.1411G>A, p.Val471Met (NM_001305275.2); c.1096G>A, p.Val366Met (NM_001364727.2); short protein forms V471M, V366M.
Identifiers: ClinVar variation 646543 (VCV000646543.11), dbSNP rs148949051, ClinGen allele CA508178.

ClinVar aggregate classification (germline): Uncertain significance. Review status: criteria provided, multiple submitters, no conflicts (2 of 4 stars). 2 submissions from 2 submitters: Uncertain significance (2). Last evaluated 2022-07-31.

Conditions:
Inborn genetic diseases. Identifiers: MedGen C0950123, MeSH D030342.
Congenital myasthenic syndrome 8. Also called: MYASTHENIC SYNDROME, CONGENITAL, DUE TO AGRIN DEFICIENCY; Myasthenic syndrome, congenital, 8, with pre- and postsynaptic defects. Identifiers: Orphanet 590, MedGen C3808739, MONDO:0014052, OMIM 615120.

Allele frequency attached by ClinVar (database versions not stated): gnomAD 0.00010 and 0.00011; TOPMed 0.00011; ESP Exome Variant Server 0.00023.
gnomAD v4.1: 329 of 1,610,562 alleles (0.02%); highest among the groups gnomAD compares: Non-Finnish European, 0.025%; no homozygotes.

Submissions (2):

Labcorp Genetics (formerly Invitae), Labcorp
Classification: Uncertain significance for Congenital myasthenic syndrome 8. Last evaluated: 2022-07-31. Review status: criteria provided, single submitter. Criteria: Invitae Variant Classification Sherloc (09022015). Collection method: clinical testing. Allele origin: germline.
Comment: This sequence change replaces valine, which is neutral and non-polar, with methionine, which is neutral and non-polar, at codon 471 of the AGRN protein (p.Val471Met). This variant is present in population databases (rs148949051, gnomAD 0.02%). This variant has not been reported in the literature in individuals affected with AGRN-related conditions. ClinVar contains an entry for this variant (Variation ID: 646543). Algorithms developed to predict the effect of missense changes on protein structure and function are either unavailable or do not agree on the potential impact of this missense change (SIFT: "Tolerated"; PolyPhen-2: "Possibly Damaging"; Align-GVGD: "Class C0"). In summary, the available evidence is currently insufficient to determine the role of this variant in disease. Therefore, it has been classified as a Variant of Uncertain Significance.

Ambry Genetics
Classification: Uncertain significance for Inborn genetic diseases. Last evaluated: 2022-01-27. Review status: criteria provided, single submitter. Criteria: Ambry Variant Classification Scheme 2023. Collection method: clinical testing. Allele origin: germline.